The following is an entry in ClinVar:

NM_001351132.2(PEX5):c.*462G>C

Gene: PEX5 (peroxisomal biogenesis factor 5; plus strand). Cytogenetic location: 12p13.31.
Variant type: single nucleotide variant.
Coding change: c.*462G>C on transcript NM_001351132.2 (MANE Select); 462 bases downstream of the stop codon, G replaced by C.
Molecular consequence: 3 prime UTR variant. On other transcripts: intron variant (2).
Genome position (GRCh38, 1-based): chr12:7,210,685, G>C. VCF-style: chr12-7210685-G-C. GRCh37 (hg19) VCF-style: chr12-7363281-G-C.
Other names: c.*462G>C (NM_000319.5, NM_001131023.2, NM_001131024.2 and 20 more transcripts); c.*19+443G>C (NM_001131026.2, NM_001374646.1).
Identifiers: ClinVar variation 310446 (VCV000310446.5), dbSNP rs75145323, ClinGen allele CA10643335.
Genomic context (GRCh38, chr12:7,210,685, plus strand): 5'-CCTTGGGCAGTGTAAGTAGGAGGTTCATCTGCTGTGCGCCTCTAATGTCTGTCTGGATGG[G>C]ATGTGTTAGGAGTTGGCCTGTTGGGTTGAATTGTTGATTTGGCTGAGCAGAGCTGAGTTT-3'

ClinVar aggregate classification (germline): Likely benign (1 of 4 stars; one submission).

Conditions:
Peroxisome biogenesis disorder 2A (Zellweger) (PBD2A). Also called: Cerebrohepatorenal syndrome, variant types. Identifiers: Orphanet 912, MedGen C3550273, MONDO:0008954, OMIM 214110.

Allele frequency attached by ClinVar (database versions not stated): gnomAD 0.00089 and 0.00115; gnomAD exomes 0.00161; TOPMed 0.00198; 1000 Genomes Project 30x 0.00515; 1000 Genomes Project 0.00579.
gnomAD v4.1: 370 of 278,376 alleles (0.13%); highest among the groups gnomAD compares: East Asian, 2.5%; 1 homozygote.

Submission:

Illumina Laboratory Services, Illumina
Classification: Likely benign for Peroxisome biogenesis disorder 2A (Zellweger). Last evaluated: 2018-01-13. Review status: criteria provided, single submitter. Criteria: ICSL Variant Classification Criteria 13 December 2019. Collection method: clinical testing. Allele origin: germline.
Comment: This variant was observed in the ICSL laboratory as part of a predisposition screen in an ostensibly healthy population. It had not been previously curated by ICSL or reported in the Human Gene Mutation Database (HGMD: prior to June 1st, 2018), and was therefore a candidate for classification through an automated scoring system. Utilizing variant allele frequency, disease prevalence and penetrance estimates, and inheritance mode, an automated score was calculated to assess if this variant is too frequent to cause the disease. Based on the score and internal cut-off values, a variant classified as likely benign is not then subjected to further curation. The score for this variant resulted in a classification of likely benign for this disease.